The following is an entry in ClinVar:

NM_004656.4(BAP1):c.560A>G (p.Lys187Arg)

Gene: BAP1 (BRCA1 associated deubiquitinase 1; minus strand). Cytogenetic location: 3p21.1.
Variant type: single nucleotide variant.
Coding change: c.560A>G on transcript NM_004656.4 (MANE Select); coding-DNA position 560, A replaced by G.
Protein change: p.Lys187Arg; replaces lysine 187 with arginine.
Molecular consequence: missense variant.
Genome position (GRCh38, 1-based): chr3:52,407,194, T>C on the plus strand (A>G on the coding strand, the complement: BAP1 is on the minus strand). VCF-style: chr3-52407194-T-C. GRCh37 (hg19) VCF-style: chr3-52441210-T-C.
Other names: c.560A>G, p.Lys187Arg (NM_001410772.1); short protein forms K187R.
Identifiers: ClinVar variation 2499176 (VCV002499176.1), dbSNP rs2153227782, ClinGen allele CA353109574.

ClinVar aggregate classification (germline): Uncertain significance (1 of 4 stars; one submission).

Submission:

GeneDx
Classification: Uncertain significance. Last evaluated: 2022-10-12. Review status: criteria provided, single submitter. Criteria: GeneDx Variant Classification Process June 2021. Collection method: clinical testing. Allele origin: germline. Affected: yes.
Comment: Not observed at significant frequency in large population cohorts (gnomAD); In silico analysis supports that this missense variant has a deleterious effect on protein structure/function; Has not been previously published as pathogenic or benign to our knowledge